The following is an entry in ClinVar:

NM_001080442.3(SLC38A8):c.804G>A (p.Thr268=)

Gene: SLC38A8 (solute carrier family 38 member 8; minus strand). Cytogenetic location: 16q23.3.
Variant type: single nucleotide variant.
Coding change: c.804G>A on transcript NM_001080442.3 (MANE Select); coding-DNA position 804, G replaced by A.
Protein change: p.Thr268=; no amino-acid change (threonine 268 retained).
Molecular consequence: synonymous variant.
Genome position (GRCh38, 1-based): chr16:84,022,776, C>T on the plus strand (G>A on the coding strand, the complement: SLC38A8 is on the minus strand). VCF-style: chr16-84022776-C-T. GRCh37 (hg19) VCF-style: chr16-84056381-C-T.
Identifiers: ClinVar variation 2646904 (VCV002646904.24), dbSNP rs201468844, ClinGen allele CA8200001.
Genomic context (GRCh38, chr16:84,022,776, plus strand): 5'-TACTCTTGTTTCTACTGTCACTCCCCACCCTCTGCAGGGGTGCCTGGGAAGGGCCTTACC[C>T]GTCAGTGAATAGATGAGGCAGCAGGCCAGCAAGGACAGCACAGACACCAGGGCCCAGTGG-3'
Protein context (NP_001073911.1, residues 258-278): LLACCLIYSL[Thr268=]GVYGFLTFGT

ClinVar aggregate classification (germline): Likely benign (1 of 4 stars; one submission).

Allele frequency attached by ClinVar (database versions not stated): 1000 Genomes Project 30x 0.00031; 1000 Genomes Project 0.00040.
gnomAD v4.1: 201 of 1,613,760 alleles (0.012%); highest among the groups gnomAD compares: East Asian, 0.11%; no homozygotes.

Submission:

CeGaT Center for Human Genetics Tuebingen
Classification: Likely benign. Last evaluated: 2023-04-01. Review status: criteria provided, single submitter. Criteria: CeGaT Center For Human Genetics Tuebingen Variant Classification Criteria Version 2. Collection method: clinical testing. Allele origin: germline. Affected: yes. Observed: 1 variant allele.
Comment: SLC38A8: BP4, BP7